The following is an entry in ClinVar:

ClinVar aggregate classification (germline): Uncertain significance (1 of 4 stars; one submission).

Allele frequency attached by ClinVar (database versions not stated): gnomAD exomes below 0.00001.
gnomAD v4.1: 1 of 1,552,194 alleles (0.000064%); highest among the groups gnomAD compares: Non-Finnish European, 0.000087%; no homozygotes.

Submission:

GeneDx
Classification: Uncertain significance. Last evaluated: 2020-01-13. Review status: criteria provided, single submitter. Criteria: GeneDx Variant Classification Process June 2021. Collection method: clinical testing. Allele origin: germline. Affected: yes.
Comment: Not observed in large population cohorts (Lek et al., 2016); In silico analysis, which includes protein predictors and evolutionary conservation, supports a deleterious effect; Has not been previously published as pathogenic or benign to our knowledge

NM_020928.2(ZSWIM6):c.2472G>C (p.Trp824Cys)

Gene: ZSWIM6 (zinc finger SWIM-type containing 6; plus strand). Cytogenetic location: 5q12.1.
Variant type: single nucleotide variant.
Coding change: c.2472G>C on transcript NM_020928.2 (MANE Select); coding-DNA position 2472, G replaced by C.
Protein change: p.Trp824Cys; replaces tryptophan 824 with cysteine.
Molecular consequence: missense variant.
Genome position (GRCh38, 1-based): chr5:61,538,904, G>C. VCF-style: chr5-61538904-G-C. GRCh37 (hg19) VCF-style: chr5-60834731-G-C.
Other names: short protein forms W824C.
Identifiers: ClinVar variation 1311009 (VCV001311009.2), dbSNP rs2112288863, ClinGen allele CA359945417.